The following is an entry in ClinVar:

NM_007294.4(BRCA1):c.4105G>C (p.Ala1369Pro)

Gene: BRCA1 (BRCA1 DNA repair associated; minus strand). Cytogenetic location: 17q21.31.
Variant type: single nucleotide variant.
Coding change: c.4105G>C on transcript NM_007294.4 (MANE Select); coding-DNA position 4105, G replaced by C.
Protein change: p.Ala1369Pro; replaces alanine 1369 with proline.
Molecular consequence: missense variant. On other transcripts: non-coding transcript variant (1).
Genome position (GRCh38, 1-based): chr17:43,091,024, C>G on the plus strand (G>C on the coding strand, the complement: BRCA1 is on the minus strand). VCF-style: chr17-43091024-C-G. GRCh37 (hg19) VCF-style: chr17-41243041-C-G.
Other names: c.4105G>C, p.Ala1369Pro (NM_001407598.1, NM_001407602.1, NM_001407603.1 and 30 more transcripts); c.586G>C, p.Ala196Pro (NM_001408482.1, NM_001408483.1, NM_001408484.1 and 9 more transcripts); c.583G>C, p.Ala195Pro (NM_001408490.1, NM_001408491.1, NM_001408493.1); c.4102G>C, p.Ala1368Pro (NM_001407610.1, NM_001407611.1, NM_001407612.1 and 22 more transcripts); c.556G>C, p.Ala186Pro (NM_001408494.1); c.3964G>C, p.Ala1322Pro (NM_007297.4, NM_001407692.1, NM_001407694.1 and 29 more transcripts); c.796G>C, p.Ala266Pro (NM_007298.4, NM_007299.4, NM_001407970.1 and 18 more transcripts); c.532G>C, p.Ala178Pro (NM_001408497.1, NM_001408498.1, NM_001408499.1 and 3 more transcripts); and 40 more; short protein forms A1322P, A266P, A1369P, A1201P, A1257P, A1281P, A1328P, A1343P.
Identifiers: ClinVar variation 663808 (VCV000663808.10), dbSNP rs1597858676, ClinGen allele CA10593514.

ClinVar aggregate classification (germline): Uncertain significance (1 of 4 stars; one submission).

Conditions:
Hereditary breast ovarian cancer syndrome. Also called: Hereditary breast and ovarian cancer syndrome (HBOC); Hereditary breast and ovarian cancer syndrome; Breast and ovarian cancer; Hereditary breast and ovarian cancer; Hereditary breast and/or ovarian cancer syndrome; BRCA1- and BRCA2-Associated Hereditary Breast and Ovarian Cancer. Identifiers: Orphanet 145, MedGen C0677776, MeSH D061325, MONDO:0003582. Disease mechanism: loss of function.

Submission:

Labcorp Genetics (formerly Invitae), Labcorp
Classification: Uncertain significance for Hereditary breast ovarian cancer syndrome. Last evaluated: 2018-07-18. Review status: criteria provided, single submitter. Criteria: Invitae Variant Classification Sherloc (09022015). Collection method: clinical testing. Allele origin: germline.
Comment: This variant has not been reported in the literature in individuals with BRCA1-related disease. In summary, the available evidence is currently insufficient to determine the role of this variant in disease. Therefore, it has been classified as a Variant of Uncertain Significance. Algorithms developed to predict the effect of missense changes on protein structure and function are either unavailable or do not agree on the potential impact of this missense change (SIFT: "Tolerated"; PolyPhen-2: "Possibly Damaging"; Align-GVGD: "Class C0"). This variant is not present in population databases (ExAC no frequency). This sequence change replaces alanine with proline at codon 1369 of the BRCA1 protein (p.Ala1369Pro). The alanine residue is moderately conserved and there is a small physicochemical difference between alanine and proline.